The following is an entry in ClinVar:

ClinVar aggregate classification (germline): other (0 of 4 stars; one submission).

Conditions:
Familial colorectal cancer. Identifiers: MedGen CN280943, MONDO:0023113. Disease mechanism: loss of function.

Submission:

Systems Biology Platform Zhejiang California International NanoSystems Institute
Classification: other for Familial colorectal cancer. Review status: no assertion criteria provided. Collection method: not provided. Allele origin: unknown.
ClinVar note: Converted during submission from cancer to other.

NM_000038.6(APC):c.1312+1058C>G

Gene: APC (APC regulator of WNT signaling pathway; plus strand). Cytogenetic location: 5q22.2.
Variant type: single nucleotide variant.
Coding change: c.1312+1058C>G on transcript NM_000038.6 (MANE Select); 1058 bases into the intron after coding-DNA position 1312, C replaced by G.
Molecular consequence: intron variant.
Genome position (GRCh38, 1-based): chr5:112,820,402, C>G. VCF-style: chr5-112820402-C-G. GRCh37 (hg19) VCF-style: chr5-112156099-C-G.
Other names: c.1312+1058C>G (NM_001354895.2, NM_001127510.3, NM_001354896.2); c.1342+1058C>G (NM_001354897.2); c.1039+1058C>G (NM_001354902.2); c.1258+1058C>G (NM_001127511.3); c.1237+1058C>G (NM_001354898.2); c.934+1058C>G (NM_001354904.2); c.463+1058C>G (NM_001354906.2); c.1009+1058C>G (NM_001354903.2); and 3 more.
Identifiers: ClinVar variation 83132 (VCV000083132.2), dbSNP rs79851383, ClinGen allele CA004178.